The following is an entry in ClinVar:

NM_001013703.4(EIF2AK4):c.3766C>T (p.Arg1256Ter)

Gene: EIF2AK4 (eukaryotic translation initiation factor 2 alpha kinase 4; plus strand). Cytogenetic location: 15q15.1.
Variant type: single nucleotide variant.
Coding change: c.3766C>T on transcript NM_001013703.4 (MANE Select); coding-DNA position 3766, C replaced by T.
Protein change: p.Arg1256Ter; replaces arginine 1256 with a stop codon.
Molecular consequence: nonsense.
Genome position (GRCh38, 1-based): chr15:40,016,508, C>T. VCF-style: chr15-40016508-C-T. GRCh37 (hg19) VCF-style: chr15-40308709-C-T.
Other names: short protein forms R1256*.
Identifiers: ClinVar variation 101528 (VCV000101528.15), dbSNP rs587777207, ClinGen allele CA150736.

ClinVar aggregate classification (germline): Pathogenic. Review status: criteria provided, multiple submitters, no conflicts (2 of 4 stars). 4 submissions from 4 submitters: Pathogenic (3). 1 of the submissions does not count toward it. Last evaluated 2021-07-13.

Conditions:
EIF2AK4-related disorders.
Familial pulmonary capillary hemangiomatosis (PVOD2). Also called: Pulmonary venoocclusive disease 2, autosomal recessive; Pulmonary venoocclusive disease 2. Identifiers: Orphanet 199241, MedGen C0340848, MONDO:0009329, OMIM 234810.

Allele frequency attached by ClinVar (database versions not stated): TOPMed 0.00001; gnomAD 0.00002; gnomAD exomes 0.00005 and 0.00009; ExAC 0.00015.
gnomAD v4.1: 71 of 1,613,824 alleles (0.0044%); highest among the groups gnomAD compares: Non-Finnish European, 0.0054%; no homozygotes.

Submissions (4):

Labcorp Genetics (formerly Invitae), Labcorp
Classification: Pathogenic. Last evaluated: 2021-07-13. Review status: criteria provided, single submitter. Criteria: Invitae Variant Classification Sherloc (09022015). Collection method: clinical testing. Allele origin: germline.
Comment: This sequence change creates a premature translational stop signal (p.Arg1256*) in the EIF2AK4 gene. It is expected to result in an absent or disrupted protein product. Loss-of-function variants in EIF2AK4 are known to be pathogenic (PMID: 12215525, 24135949, 24292273, 24310610, 28972005, 29743074). This variant is present in population databases (rs587777207, ExAC 0.03%). This premature translational stop signal has been observed in individual(s) with pulmonary capillary hemangiomatosis (PMID: 24135949). It has also been observed to segregate with disease in related individuals. ClinVar contains an entry for this variant (Variation ID: 101528). For these reasons, this variant has been classified as Pathogenic.

ARUP Laboratories, Molecular Genetics and Genomics, ARUP Laboratories
Classification: Pathogenic for Familial pulmonary capillary hemangiomatosis. Last evaluated: 2019-09-07. Review status: criteria provided, single submitter. Criteria: ARUP Molecular Germline Variant Investigation Process. Collection method: clinical testing. Allele origin: germline.
Comment: The EIF2AK4 c.3766C>T; p.Arg1256Ter variant (rs587777207) is reported in the literature in multiple individuals affected with pulmonary capillary hemangiomatosis (Best 2014, Zhu 2018). In one family, this variant was observed in trans to a second pathogenic variant in two affected brothers and was absent from an unaffected sister, demonstrating co-segregation with disease (Best 2014). The p.Arg1256Ter variant is found in the non-Finnish European population with an overall allele frequency of 0.02% (21/113166 alleles) in the Genome Aggregation Database. This variant induces an early termination codon and is predicted to result in a truncated protein or mRNA subject to nonsense-mediated decay. Based on available information, this variant is considered to be pathogenic. References: Best DH et al. EIF2AK4 mutations in pulmonary capillary hemangiomatosis. Chest. 2014 Feb;145(2):231-236. Zhu N et al. Exome Sequencing in Children With Pulmonary Arterial Hypertension Demonstrates Differences Compared With Adults. Circ Genom Precis Med. 2018 Apr;11(4):e001887.

Blueprint Genetics
Classification: Pathogenic for EIF2AK4-related disorders. Last evaluated: 2019-04-28. Review status: criteria provided, single submitter. Criteria: ACMG Guidelines, 2015. Collection method: clinical testing. Allele origin: germline. Affected: yes. Observed: 1 variant allele.

OMIM
Classification: Pathogenic for PULMONARY VENOOCCLUSIVE DISEASE 2. Last evaluated: 2014-02-01. Review status: no assertion criteria provided. Collection method: literature only. Allele origin: germline. Not counted in ClinVar's aggregate classification.

Literature cited by the submitters: PubMed 12215525 (cited by Labcorp Genetics (formerly Invitae), Labcorp); PubMed 24135949 (cited by Labcorp Genetics (formerly Invitae), Labcorp and OMIM); PubMed 24292273 (cited by Labcorp Genetics (formerly Invitae), Labcorp); PubMed 24310610 (cited by Labcorp Genetics (formerly Invitae), Labcorp); PubMed 28972005 (cited by Labcorp Genetics (formerly Invitae), Labcorp); PubMed 29743074 (cited by Labcorp Genetics (formerly Invitae), Labcorp).